The following is an entry in ClinVar:

NM_001127222.2(CACNA1A):c.2606G>C (p.Arg869Pro)

Gene: CACNA1A (calcium voltage-gated channel subunit alpha1 A; minus strand). Cytogenetic location: 19p13.13.
Variant type: single nucleotide variant.
Coding change: c.2606G>C on transcript NM_001127222.2 (MANE Select); coding-DNA position 2606, G replaced by C.
Protein change: p.Arg869Pro; replaces arginine 869 with proline.
Molecular consequence: missense variant.
Genome position (GRCh38, 1-based): chr19:13,299,027, C>G on the plus strand (G>C on the coding strand, the complement: CACNA1A is on the minus strand). VCF-style: chr19-13299027-C-G. GRCh37 (hg19) VCF-style: chr19-13409841-C-G.
Other names: c.2618G>C, p.Arg873Pro (NM_000068.4, NM_023035.3); c.2609G>C, p.Arg870Pro (NM_001127221.2, NM_001174080.2); short protein forms R869P, R870P, R873P.
Identifiers: ClinVar variation 871987 (VCV000871987.42), dbSNP rs1057518589, ClinGen allele CA404343087.

ClinVar aggregate classification (germline): Uncertain significance. Review status: criteria provided, multiple submitters, no conflicts (2 of 4 stars). 2 submissions from 2 submitters: Uncertain significance (2). Last evaluated 2024-08-05.

Conditions:
Hereditary cerebellar ataxia. Identifiers: MedGen C0270749, MONDO:0100310.

Submissions (2):

Molecular Genetics, Royal Melbourne Hospital
Classification: Uncertain significance for Hereditary cerebellar ataxia. Last evaluated: 2024-08-05. Review status: criteria provided, single submitter. Criteria: ACMG Guidelines, 2015. Collection method: clinical testing. Allele origin: germline. Inheritance: Autosomal dominant inheritance. Affected: yes.
Comment: This sequence change in CACNA1A is predicted to replace arginine with proline at codon 869, p.(Arg869Pro). The arginine residue is moderately conserved (100 vertebrates, Multiz Alignments), and is located in a cytoplasmic region. There is a large physicochemical difference between arginine and proline. CACNA1A, in which the variant was identified, is a gene that has a low rate of benign missense variation and where pathogenic missense variants are a common mechanism of disease (gnomAD v4.1 Z>3.09). This variant is absent from the population database gnomAD v4.1. To our knowledge, this variant has not been previously reported in the relevant scientific literature and has been classified as a variant of uncertain significance (ClinVar ID: 871987). Computational evidence is uninformative for the missense substitution (REVEL = 0.40). Based on the classification scheme RMH Modified ACMG/AMP Guidelines v1.7.0, this variant is classified as a VARIANT OF UNCERTAIN SIGNIFICANCE. Following criteria are met: PM2_Supporting, PP2.

CeGaT Center for Human Genetics Tuebingen
Classification: Uncertain significance. Last evaluated: 2019-07-01. Review status: criteria provided, single submitter. Criteria: CeGaT Center For Human Genetics Tuebingen Variant Classification Criteria Version 2. Collection method: clinical testing. Allele origin: germline. Affected: yes. Observed: 1 variant allele.